The following is an entry in ClinVar:

NM_001039141.3(TRIOBP):c.3572C>G (p.Pro1191Arg)

Gene: TRIOBP (TRIO and F-actin binding protein; plus strand). Cytogenetic location: 22q13.1.
Variant type: single nucleotide variant.
Coding change: c.3572C>G on transcript NM_001039141.3 (MANE Select); coding-DNA position 3572, C replaced by G.
Protein change: p.Pro1191Arg; replaces proline 1191 with arginine.
Molecular consequence: missense variant.
Genome position (GRCh38, 1-based): chr22:37,726,128, C>G. VCF-style: chr22-37726128-C-G. GRCh37 (hg19) VCF-style: chr22-38122135-C-G.
Other names: short protein forms P1191R.
Identifiers: ClinVar variation 3373295 (VCV003373295.1).
Genomic context (GRCh38, chr22:37,726,128, plus strand): 5'-CACCCTCCTTCTCATCCCCACCACGCCAGGCTCCTGAGCCATCCCTCTTCTTCCAGGATC[C>G]CCCTGGAACTAGTATGGAGAGCCTGGCCCCCTCCACTGACTCTCTGCATGGCTCCCCAGT-3'
Protein context (NP_001034230.1, residues 1181-1201): APEPSLFFQD[Pro1191Arg]PGTSMESLAP

ClinVar aggregate classification (germline): Uncertain significance (1 of 4 stars; one submission).

gnomAD v4.1: 1 of 1,553,744 alleles (0.000064%); highest among the groups gnomAD compares: Admixed American, 0.0018%; no homozygotes.

Submission:

GeneDx
Classification: Uncertain significance. Last evaluated: 2024-05-03. Review status: criteria provided, single submitter. Criteria: GeneDx Variant Classification Process June 2021. Collection method: clinical testing. Allele origin: germline. Affected: yes.
Comment: Not observed at significant frequency in large population cohorts (gnomAD); In silico analysis supports that this missense variant has a deleterious effect on protein structure/function; Has not been previously published as pathogenic or benign to our knowledge